The following is an entry in ClinVar:

NM_000384.3(APOB):c.6642G>A (p.Glu2214=)

Gene: APOB (apolipoprotein B; minus strand). Cytogenetic location: 2p24.1.
Variant type: single nucleotide variant.
Coding change: c.6642G>A on transcript NM_000384.3 (MANE Select); coding-DNA position 6642, G replaced by A.
Protein change: p.Glu2214=; no amino-acid change (glutamic acid 2214 retained).
Molecular consequence: synonymous variant.
Genome position (GRCh38, 1-based): chr2:21,010,226, C>T on the plus strand (G>A on the coding strand, the complement: APOB is on the minus strand). VCF-style: chr2-21010226-C-T. GRCh37 (hg19) VCF-style: chr2-21233098-C-T.
Identifiers: ClinVar variation 4076998 (VCV004076998.2).

ClinVar aggregate classification (germline): Likely benign. Review status: criteria provided, multiple submitters, no conflicts (2 of 4 stars). 2 submissions from 2 submitters: Likely benign (2). Last evaluated 2025-08-29.

Conditions:
Familial hypercholesterolemia. Also called: Familial hypercholesterolemias; Familial hypercholesterolaemia. Identifiers: MedGen C0020445, MONDO:0005439.
Familial hypobetalipoproteinemia 1. Also called: APOB-Related Familial Hypobetalipoproteinemia; Hypobetalipoproteinemia, normotriglyceridemic; Acanthocytosis with hypobetalipoproteinemia. Identifiers: MedGen C4551990, MONDO:0014252, OMIM 615558.
Hypercholesterolemia, autosomal dominant, type B (FHCL2). Also called: Familial Hypercholesterolemia Type B; APOLIPOPROTEIN B-100, FAMILIAL DEFECTIVE; APOLIPOPROTEIN B-100, FAMILIAL LIGAND-DEFECTIVE; HYPERCHOLESTEROLEMIA, FAMILIAL, DUE TO LIGAND-DEFECTIVE APOLIPOPROTEIN B; APOB-Related Familial Hypercholesterolemia, Autosomal Dominant; Hyperlipoproteinemia Type IIb. Identifiers: MedGen C1704417, MONDO:0007751, OMIM 144010.

Submissions (2):

Labcorp Genetics (formerly Invitae), Labcorp
Classification: Likely benign for Familial hypobetalipoproteinemia 1; Hypercholesterolemia, autosomal dominant, type B. Last evaluated: 2025-08-29. Review status: criteria provided, single submitter. Criteria: Invitae Variant Classification Sherloc (09022015). Collection method: clinical testing. Allele origin: germline.

GENinCode PLC
Classification: Likely benign for Familial hypercholesterolemia. Last evaluated: 2025-04-11. Review status: criteria provided, single submitter. Criteria: ACMG Guidelines, 2015. Collection method: clinical testing. Allele origin: germline.
Comment: This is a synonymous (silent) variant that is not predicted to impact splicing and occurs at a nucleotide which is not highly conserved. This variant has been classified as Likely Benign (BP4, BP7).